The following is an entry in ClinVar:

ClinVar aggregate classification (germline): Pathogenic. Review status: criteria provided, multiple submitters, no conflicts (2 of 4 stars). 2 submissions from 2 submitters: Pathogenic (2). Last evaluated 2024-08-28.

Conditions:
Mucopolysaccharidosis type 6 (MPS6). Also called: N-ACETYLGALACTOSAMINE-4-SULFATASE DEFICIENCY; MPS VI; ARSB DEFICIENCY; ARYLSULFATASE B DEFICIENCY; MPS 6; Maroteaux Lamy syndrome. Identifiers: Orphanet 583, MedGen C0026709, MONDO:0009661, OMIM 253200.

Allele frequency attached by ClinVar (database versions not stated): gnomAD exomes below 0.00001; TOPMed below 0.00001; ExAC 0.00001; gnomAD 0.00001.
gnomAD v4.1: 2 of 1,613,312 alleles (0.00012%); highest among the groups gnomAD compares: Non-Finnish European, 0.00017%; no homozygotes.

Submissions (2):

Natera, Inc.
Classification: Pathogenic for Mucopolysaccharidosis type VI. Last evaluated: 2024-08-28. Review status: criteria provided, single submitter. Criteria: Natera Variant Classification Schema (03/2026). Collection method: clinical testing. Allele origin: germline.
Comment: The c.1142+1G>A variant in ARSB is a canonical splice donor site variant predicted to affect pre-mRNA splicing, which may result in an abnormal transcript and altered protein product. This variant is expected to result in nonsense mediated decay, truncation, or a dysfunctional protein product. This variant is rare in the general population with a frequency below the threshold expected for the associated phenotype(s). Another variant at this same site results in an alteration predicted to cause a similar molecular effect has been observed in individual(s) with the associated phenotype. Given the available evidence, this variant is classified as Pathogenic.

Labcorp Genetics (formerly Invitae), Labcorp
Classification: Pathogenic for Mucopolysaccharidosis type 6. Last evaluated: 2021-08-21. Review status: criteria provided, single submitter. Criteria: Invitae Variant Classification Sherloc (09022015). Collection method: clinical testing. Allele origin: germline.
Comment: For these reasons, this variant has been classified as Pathogenic. Algorithms developed to predict the effect of sequence changes on RNA splicing suggest that this variant may disrupt the consensus splice site. Disruption of this splice site has been observed in individual(s) with mucopolysaccharidosis type VI (PMID: 17458871). This variant is present in population databases (rs746396210, ExAC 0.002%). This sequence change affects a donor splice site in intron 5 of the ARSB gene. It is expected to disrupt RNA splicing. Variants that disrupt the donor or acceptor splice site typically lead to a loss of protein function (PMID: 16199547), and loss-of-function variants in ARSB are known to be pathogenic (PMID: 17458871, 22133300).

Literature cited by the submitters: PubMed 17458871 (cited by Labcorp Genetics (formerly Invitae), Labcorp); PubMed 16199547 (cited by Labcorp Genetics (formerly Invitae), Labcorp); PubMed 22133300 (cited by Labcorp Genetics (formerly Invitae), Labcorp).

NM_000046.5(ARSB):c.1142+1G>A

Gene: ARSB (arylsulfatase B; minus strand). Cytogenetic location: 5q14.1.
Variant type: single nucleotide variant.
Coding change: c.1142+1G>A on transcript NM_000046.5 (MANE Select); the canonical splice donor site of the intron after coding-DNA position 1142, G replaced by A.
Molecular consequence: splice donor variant.
Genome position (GRCh38, 1-based): chr5:78,885,583, C>T on the plus strand (G>A on the coding strand, the complement: ARSB is on the minus strand). VCF-style: chr5-78885583-C-T. GRCh37 (hg19) VCF-style: chr5-78181406-C-T.
Other names: c.1142+1G>A (NM_198709.3, NM_000046.4).
Identifiers: ClinVar variation 1384664 (VCV001384664.7), dbSNP rs746396210, ClinGen allele CA3318115.